The following is an entry in ClinVar:

NM_000297.4(PKD2):c.595G>T (p.Gly199Cys)

Gene: PKD2 (polycystin 2, transient receptor potential cation channel; plus strand). Cytogenetic location: 4q22.1.
Variant type: single nucleotide variant.
Coding change: c.595G>T on transcript NM_000297.4 (MANE Select); coding-DNA position 595, G replaced by T.
Protein change: p.Gly199Cys; replaces glycine 199 with cysteine.
Molecular consequence: missense variant. On other transcripts: non-coding transcript variant (1).
Genome position (GRCh38, 1-based): chr4:88,008,328, G>T. VCF-style: chr4-88008328-G-T. GRCh37 (hg19) VCF-style: chr4-88929480-G-T.
Other names: p.Gly199Cys; short protein forms G199C.
Identifiers: ClinVar variation 3377079 (VCV003377079.4).
Genomic context (GRCh38, chr4:88,008,328, plus strand): 5'-CCCCTGGAAGGGCAGCCGCCCCGAGTGGCCTGGGCGGAGAGGCTGGTTCGCGGGCTGCGA[G>T]GTAAGAGCGCGCGACCCGCAGCGGCAGATGCACGAACCAGAACGGCCGGCGCCGGCCGGG-3'
Protein context (NP_000288.1, residues 189-209): WAERLVRGLR[Gly199Cys]LWGTRLMEES

ClinVar aggregate classification (germline): Uncertain significance. Review status: criteria provided, multiple submitters, no conflicts (2 of 4 stars). 2 submissions from 2 submitters: Uncertain significance (2). Last evaluated 2025-09-30.

Conditions:
Polycystic kidney disease 2 (PKD2). Also called: POLYCYSTIC KIDNEY DISEASE, ADULT, TYPE II; Polycystic Kidney Disease 2, Autosomal Dominant; POLYCYSTIC KIDNEY DISEASE 2 WITH OR WITHOUT POLYCYSTIC LIVER DISEASE. Identifiers: MedGen C2751306, MONDO:0013131, OMIM 613095.

Submissions (2):

Victorian Clinical Genetics Services, Murdoch Childrens Research Institute
Classification: Uncertain significance for Polycystic kidney disease 2. Last evaluated: 2025-09-30. Review status: criteria provided, single submitter. Criteria: ACMG Guidelines, 2015. Collection method: clinical testing. Allele origin: germline. Affected: yes.
Comment: This variant is classified as VUS-3A. Evidence in support of pathogenic classification: Variant is absent from gnomAD (v2, v3 and v4); Abnormal splicing is predicted by in silico tools and affected nucleotide is highly conserved. Missense in silico prediction is inconclusive and this residue has uninformative conservation. Additional information: Variant is predicted to result in a missense amino acid change from glycine to cysteine. This variant is located at the last nucleotide of an exon and therefore, it may affect splicing; This variant is heterozygous; This gene is associated with autosomal dominant disease; An alternative amino acid change at the same position has been observed in gnomAD (v2) (1 heterozygote, 0 homozygotes); This variant has no previous evidence of pathogenicity; No published functional evidence has been identified for this variant; Another missense variant comparable to the one identified in this case has conflicting previous evidence for pathogenicity. p.(Gly199Ser) has been reported twice in ClinVar as a VUS and once as likely pathogenic in an individual with a diagnosis of autosomal dominant polycystic kidney disease (PMID: 29801666). In addition, p.(Gly199Arg) has been classified as a VUS by clinical laboratories in ClinVar; Variant is not located in an established domain, motif, hotspot or informative constraint region; Loss of function is a known mechanism of disease in this gene and is associated with polycystic kidney disease 2 (MIM#613095).

Mayo Clinic Laboratories, Mayo Clinic
Classification: Uncertain significance. Last evaluated: 2025-01-19. Review status: criteria provided, single submitter. Criteria: ACMG Guidelines, 2015. Collection method: clinical testing. Allele origin: germline. Observed: 1 variant allele.
Comment: PP3, PM2_supporting, PS1_moderate

Literature cited by the submitters: PubMed 29801666 (cited by Victorian Clinical Genetics Services, Murdoch Childrens Research Institute).